The following is an entry in ClinVar:

NM_012330.4(KAT6B):c.846+99C>T

Gene: KAT6B (lysine acetyltransferase 6B; plus strand). Cytogenetic location: 10q22.2.
Variant type: single nucleotide variant.
Coding change: c.846+99C>T on transcript NM_012330.4 (MANE Select); 99 bases into the intron after coding-DNA position 846, C replaced by T.
Molecular consequence: intron variant.
Genome position (GRCh38, 1-based): chr10:74,969,874, C>T. VCF-style: chr10-74969874-C-T. GRCh37 (hg19) VCF-style: chr10-76729632-C-T.
Other names: c.846+99C>T (NM_001370139.1, NM_001370136.1, NM_001370138.1 and 10 more transcripts); c.193-9350C>T (NM_001370134.1); c.192+9796C>T (NM_001370135.1).
Identifiers: ClinVar variation 561578 (VCV000561578.2), dbSNP rs3213967, ClinGen allele CA13269643.

ClinVar aggregate classification (germline): Benign. Review status: criteria provided, multiple submitters, no conflicts (2 of 4 stars). 2 submissions from 2 submitters: Benign (2). Last evaluated 2018-06-14.

Allele frequency attached by ClinVar (database versions not stated): gnomAD exomes 0.21355; gnomAD 0.34165 and 0.34422; TOPMed 0.36612; 1000 Genomes Project 0.47404; 1000 Genomes Project 30x 0.47720.

Submissions (2):

GeneDx
Classification: Benign. Last evaluated: 2018-06-14. Review status: criteria provided, single submitter. Criteria: GeneDx Variant Classification (06012015). Collection method: clinical testing. Allele origin: germline. Affected: yes.
Comment: This variant is considered likely benign or benign based on one or more of the following criteria: it is a conservative change, it occurs at a poorly conserved position in the protein, it is predicted to be benign by multiple in silico algorithms, and/or has population frequency not consistent with disease.

Breakthrough Genomics
Classification: Benign. Review status: criteria provided, single submitter. Criteria: ACMG Guidelines, 2015. Collection method: not provided. Allele origin: germline. Inheritance: Autosomal dominant inheritance. Affected: yes.